The following is an entry in ClinVar:

ClinVar aggregate classification (germline): Uncertain significance (1 of 4 stars; one submission).

Allele frequency attached by ClinVar (database versions not stated): gnomAD 0.00001; ExAC 0.00002; TOPMed 0.00002.
gnomAD v4.1: 35 of 1,578,722 alleles (0.0022%); highest among the groups gnomAD compares: Non-Finnish European, 0.0029%; no homozygotes.

Submission:

GeneDx
Classification: Uncertain significance. Last evaluated: 2023-03-27. Review status: criteria provided, single submitter. Criteria: GeneDx Variant Classification Process June 2021. Collection method: clinical testing. Allele origin: germline. Affected: yes.
Comment: Not observed at significant frequency in large population cohorts (gnomAD); In silico analysis supports that this missense variant has a deleterious effect on protein structure/function; Has not been previously published as pathogenic or benign to our knowledge

NM_001199799.2(ILDR1):c.326A>G (p.Asn109Ser)

Gene: ILDR1 (immunoglobulin like domain containing receptor 1; minus strand). Cytogenetic location: 3q13.33.
Variant type: single nucleotide variant.
Coding change: c.326A>G on transcript NM_001199799.2 (MANE Select); coding-DNA position 326, A replaced by G.
Protein change: p.Asn109Ser; replaces asparagine 109 with serine.
Molecular consequence: missense variant.
Genome position (GRCh38, 1-based): chr3:122,005,297, T>C on the plus strand (A>G on the coding strand, the complement: ILDR1 is on the minus strand). VCF-style: chr3-122005297-T-C. GRCh37 (hg19) VCF-style: chr3-121724144-T-C.
Other names: c.326A>G, p.Asn109Ser (NM_001199800.2, NM_175924.4); short protein forms N109S.
Identifiers: ClinVar variation 2581798 (VCV002581798.1), dbSNP rs764616122, ClinGen allele CA2568973.